The following is an entry in ClinVar:

NM_001042492.3(NF1):c.7896T>A (p.Asp2632Glu)

Gene: NF1 (neurofibromin 1; plus strand). Cytogenetic location: 17q11.2.
Variant type: single nucleotide variant.
Coding change: c.7896T>A on transcript NM_001042492.3 (MANE Select); coding-DNA position 7896, T replaced by A.
Protein change: p.Asp2632Glu; replaces aspartic acid 2632 with glutamic acid.
Molecular consequence: missense variant.
Genome position (GRCh38, 1-based): chr17:31,357,295, T>A. VCF-style: chr17-31357295-T-A. GRCh37 (hg19) VCF-style: chr17-29684313-T-A.
Other names: c.7833T>A, p.Asp2611Glu (NM_000267.4); short protein forms D2632E, D2611E.
Identifiers: ClinVar variation 827279 (VCV000827279.11), dbSNP rs1277560744, ClinGen allele CA399203407.

ClinVar aggregate classification (germline): Uncertain significance. Review status: criteria provided, multiple submitters, no conflicts (2 of 4 stars). 3 submissions from 3 submitters: Uncertain significance (3). Last evaluated 2022-03-15.

Conditions:
Hereditary cancer-predisposing syndrome. Also called: Neoplastic Syndromes, Hereditary; Hereditary Cancer Syndrome; Hereditary neoplastic syndrome; Tumor predisposition. Identifiers: Orphanet 140162, MedGen C0027672, MeSH D009386, MONDO:0015356.
Cardiovascular phenotype. Identifiers: MedGen CN230736.
Neurofibromatosis, type 1 (NF1). Also called: Neurofibromatosis, type I; Peripheral type neurofibromatosis; VON RECKLINGHAUSEN DISEASE; NEUROFIBROMATOSIS, TYPE I, SOMATIC. Identifiers: Orphanet 636, MedGen C0027831, MONDO:0018975, OMIM 162200. Disease mechanism: loss of function.

Submissions (3):

Genome-Nilou Lab
Classification: Uncertain significance for Neurofibromatosis, type 1. Last evaluated: 2022-03-15. Review status: criteria provided, single submitter. Criteria: ACMG Guidelines, 2015. Collection method: clinical testing. Allele origin: germline. Affected: no.

Labcorp Genetics (formerly Invitae), Labcorp
Classification: Uncertain significance for Neurofibromatosis, type 1. Last evaluated: 2021-10-21. Review status: criteria provided, single submitter. Criteria: Invitae Variant Classification Sherloc (09022015). Collection method: clinical testing. Allele origin: germline.
Comment: This variant is not present in population databases (ExAC no frequency). This variant has not been reported in the literature in individuals affected with NF1-related conditions. ClinVar contains an entry for this variant (Variation ID: 827279). This sequence change replaces aspartic acid with glutamic acid at codon 2611 of the NF1 protein (p.Asp2611Glu). The aspartic acid residue is moderately conserved and there is a small physicochemical difference between aspartic acid and glutamic acid. Algorithms developed to predict the effect of missense changes on protein structure and function are either unavailable or do not agree on the potential impact of this missense change (SIFT: "Tolerated"; PolyPhen-2: "Probably Damaging"; Align-GVGD: "Class C0"). In summary, the available evidence is currently insufficient to determine the role of this variant in disease. Therefore, it has been classified as a Variant of Uncertain Significance.

Ambry Genetics
Classification: Uncertain significance for Cardiovascular phenotype; Hereditary cancer-predisposing syndrome. Last evaluated: 2019-08-12. Review status: criteria provided, single submitter. Criteria: Ambry Variant Classification Scheme 2023. Collection method: clinical testing. Allele origin: germline.
Comment: The p.D2611E variant (also known as c.7833T>A), located in coding exon 53 of the NF1 gene, results from a T to A substitution at nucleotide position 7833. The aspartic acid at codon 2611 is replaced by glutamic acid, an amino acid with highly similar properties. This amino acid position is highly conserved in available vertebrate species. In addition, the in silico prediction for this alteration is inconclusive. Since supporting evidence is limited at this time, the clinical significance of this alteration remains unclear.